The following is an entry in ClinVar:

NM_173598.6(KSR2):c.574C>T (p.Arg192Cys)

Gene: KSR2 (kinase suppressor of ras 2; minus strand). Cytogenetic location: 12q24.23.
Variant type: single nucleotide variant.
Coding change: c.574C>T on transcript NM_173598.6 (MANE Select); coding-DNA position 574, C replaced by T.
Protein change: p.Arg192Cys; replaces arginine 192 with cysteine.
Molecular consequence: missense variant.
Genome position (GRCh38, 1-based): chr12:117,761,423, G>A on the plus strand (C>T on the coding strand, the complement: KSR2 is on the minus strand). VCF-style: chr12-117761423-G-A. GRCh37 (hg19) VCF-style: chr12-118199228-G-A.
Other names: short protein forms R192C.
Identifiers: ClinVar variation 3051716 (VCV003051716.3), dbSNP rs1242975583, ClinGen allele CA386939437.
Genomic context (GRCh38, chr12:117,761,423, plus strand): 5'-TGTGACAATAGTGCTGGACGCACTTGGACGGGACCCTGGGGCTCTGGGAGAGATGGGTGC[G>A]GATCCACGGGGTGGGCTCCGGGGGGCACACGGGATTGTTCTCCTTCCCCGTCTCTGTCGT-3'
Protein context (NP_775869.4, residues 182-202): VCPPEPTPWI[Arg192Cys]THLSQSPRVP

ClinVar aggregate classification (germline): Uncertain significance. Review status: criteria provided, single submitter (1 of 4 stars). 2 submissions from 2 submitters: Uncertain significance (1). 1 of the submissions does not count toward it. Last evaluated 2024-10-29.

Conditions:
KSR2-related disorder. Also called: KSR2-related condition.

Allele frequency attached by ClinVar (database versions not stated): gnomAD exomes below 0.00001.
gnomAD v4.1: 2 of 1,612,100 alleles (0.00012%); highest among the groups gnomAD compares: East Asian, 0.0022%; no homozygotes.

Submissions (2):

Ambry Genetics
Classification: Uncertain significance. Last evaluated: 2024-10-29. Review status: criteria provided, single submitter. Criteria: Ambry Variant Classification Scheme 2023. Collection method: clinical testing. Allele origin: germline.

PreventionGenetics, part of Exact Sciences
Classification: Uncertain significance for KSR2-related condition. Last evaluated: 2023-10-19. Review status: no assertion criteria provided. Collection method: clinical testing. Allele origin: germline. Not counted in ClinVar's aggregate classification.
Comment: The KSR2 c.487C>T variant is predicted to result in the amino acid substitution p.Arg163Cys. To our knowledge, this variant has not been reported in the literature. This variant is reported in 0.0057% of alleles in individuals of East Asian descent in gnomAD. At this time, the clinical significance of this variant is uncertain due to the absence of conclusive functional and genetic evidence.